The following is an entry in ClinVar:

NM_001182.5(ALDH7A1):c.1068G>A (p.Gln356=)

Gene: ALDH7A1 (aldehyde dehydrogenase 7 family member A1; minus strand). Cytogenetic location: 5q23.2.
Variant type: single nucleotide variant.
Coding change: c.1068G>A on transcript NM_001182.5 (MANE Select); coding-DNA position 1068, G replaced by A.
Protein change: p.Gln356=; no amino-acid change (glutamine 356 retained).
Molecular consequence: synonymous variant. On other transcripts: intron variant (1).
Genome position (GRCh38, 1-based): chr5:126,555,956, C>T on the plus strand (G>A on the coding strand, the complement: ALDH7A1 is on the minus strand). VCF-style: chr5-126555956-C-T. GRCh37 (hg19) VCF-style: chr5-125891648-C-T.
Other names: c.984G>A, p.Gln328= (NM_001201377.2); c.1008+3284G>A (NM_001202404.2).
Identifiers: ClinVar variation 697062 (VCV000697062.35), dbSNP rs376004978, ClinGen allele CA3389545.

ClinVar aggregate classification (germline): Benign/Likely benign. Review status: criteria provided, multiple submitters, no conflicts (2 of 4 stars). 6 submissions from 6 submitters: Benign (1); Likely benign (4). 1 of the submissions does not count toward it. Last evaluated 2026-01-24.

Conditions:
ALDH7A1-related disorder. Also called: ALDH7A1-related condition.
Pyridoxine-dependent epilepsy (EPEO4). Also called: Pyridoxine-Dependent Seizures; Pyridoxine-Dependent Epilepsy - ALDH7A1; PYRIDOXINE DEPENDENCY WITH SEIZURES; EPILEPSY, EARLY-ONSET, 4, VITAMIN B6-DEPENDENT. Identifiers: Orphanet 3006, MedGen C1849508, MONDO:0009945, OMIM 266100. Disease mechanism: loss of function.

Allele frequency attached by ClinVar (database versions not stated): gnomAD 0.00004 and 0.00007; gnomAD exomes 0.00004 and 0.00022; TOPMed 0.00005; ExAC 0.00023; 1000 Genomes Project 30x 0.00047; 1000 Genomes Project 0.00060.
gnomAD v4.1: 85 of 1,613,532 alleles (0.0053%); highest among the groups gnomAD compares: East Asian, 0.11%; no homozygotes.

Submissions (6):

Labcorp Genetics (formerly Invitae), Labcorp
Classification: Benign for Pyridoxine-dependent epilepsy. Last evaluated: 2026-01-24. Review status: criteria provided, single submitter. Criteria: Invitae Variant Classification Sherloc (09022015). Collection method: clinical testing. Allele origin: germline.

Blueprint Genetics
Classification: Likely benign. Last evaluated: 2024-10-10. Review status: criteria provided, single submitter. Criteria: ACMG Guidelines, 2015. Collection method: clinical testing. Allele origin: germline.

CeGaT Center for Human Genetics Tuebingen
Classification: Likely benign. Last evaluated: 2024-05-01. Review status: criteria provided, single submitter. Criteria: CeGaT Center For Human Genetics Tuebingen Variant Classification Criteria Version 2. Collection method: clinical testing. Allele origin: germline. Affected: yes. Observed: 1 variant allele.
Comment: ALDH7A1: BP4, BP7

Genome-Nilou Lab
Classification: Likely benign for Pyridoxine-dependent epilepsy. Last evaluated: 2023-04-11. Review status: criteria provided, single submitter. Criteria: ACMG Guidelines, 2015. Collection method: clinical testing. Allele origin: germline. Affected: no.

GeneDx
Classification: Likely benign. Last evaluated: 2019-07-16. Review status: criteria provided, single submitter. Criteria: GeneDx Variant Classification Process June 2021. Collection method: clinical testing. Allele origin: germline. Affected: yes.

PreventionGenetics, part of Exact Sciences
Classification: Likely benign for ALDH7A1-related condition. Last evaluated: 2021-03-05. Review status: no assertion criteria provided. Collection method: clinical testing. Allele origin: germline. Not counted in ClinVar's aggregate classification.
Comment: This variant is classified as likely benign based on ACMG/AMP sequence variant interpretation guidelines (Richards et al. 2015 PMID: 25741868, with internal and published modifications).